The following is an entry in ClinVar:

ClinVar aggregate classification (germline): Uncertain significance (1 of 4 stars; one submission).

Allele frequency attached by ClinVar (database versions not stated): gnomAD exomes below 0.00001.
gnomAD v4.1: 1 of 1,470,750 alleles (0.000068%); highest among the groups gnomAD compares: Non-Finnish European, 0.00009%; no homozygotes.

Submission:

Labcorp Genetics (formerly Invitae), Labcorp
Classification: Uncertain significance. Last evaluated: 2023-06-30. Review status: criteria provided, single submitter. Criteria: Invitae Variant Classification Sherloc (09022015). Collection method: clinical testing. Allele origin: germline.
Comment: An algorithm developed to predict the effect of missense changes on protein structure and function (PolyPhen-2) suggests that this variant is likely to be tolerated. This sequence change replaces methionine, which is neutral and non-polar, with isoleucine, which is neutral and non-polar, at codon 7 of the CFAP410 protein (p.Met7Ile). This variant is not present in population databases (gnomAD no frequency). This variant has not been reported in the literature in individuals affected with CFAP410-related conditions. ClinVar contains an entry for this variant (Variation ID: 1371821). In summary, the available evidence is currently insufficient to determine the role of this variant in disease. Therefore, it has been classified as a Variant of Uncertain Significance.

NM_004928.3(CFAP410):c.21G>A (p.Met7Ile)

Genes: CFAP410 (cilia and flagella associated protein 410; minus strand), LOC130066823 (ATAC-STARR-seq lymphoblastoid silent region 13383; plus strand). Cytogenetic location: 21q22.3.
Variant type: single nucleotide variant.
Coding change: c.21G>A on transcript NM_004928.3 (MANE Select); coding-DNA position 21, G replaced by A.
Protein change: p.Met7Ile; replaces methionine 7 with isoleucine.
Molecular consequence: missense variant.
Genome position (GRCh38, 1-based): chr21:44,339,174, C>T on the plus strand (G>A on the coding strand, the complement: CFAP410 is on the minus strand). VCF-style: chr21-44339174-C-T. GRCh37 (hg19) VCF-style: chr21-45759057-C-T.
Other names: c.21G>A, p.Met7Ile (NM_001271440.2, NM_001271441.2); short protein forms M7I.
Identifiers: ClinVar variation 1371821 (VCV001371821.8), dbSNP rs1324269660, ClinGen allele CA410461366.